The following is an entry in ClinVar:

NM_016529.6(ATP8A2):c.415G>A (p.Asp139Asn)

Gene: ATP8A2 (ATPase phospholipid transporting 8A2). Cytogenetic location: 13q12.13.
Variant type: single nucleotide variant.
Coding change: c.415G>A on transcript NM_016529.6 (MANE Select); coding-DNA position 415, G replaced by A.
Protein change: p.Asp139Asn; replaces aspartic acid 139 with asparagine.
Molecular consequence: missense variant.
Genome position (GRCh38, 1-based): chr13:25,530,655, G>A. VCF-style: chr13-25530655-G-A. GRCh37 (hg19) VCF-style: chr13-26104793-G-A.
Other names: c.295G>A, p.Asp99Asn (NM_001313741.1); short protein forms D139N, D99N.
Identifiers: ClinVar variation 1376484 (VCV001376484.6), dbSNP rs2137905540, ClinGen allele CA387682294.

ClinVar aggregate classification (germline): Uncertain significance (1 of 4 stars; one submission).

Allele frequency attached by ClinVar (database versions not stated): gnomAD exomes below 0.00001.
gnomAD v4.1: 2 of 1,572,680 alleles (0.00013%); highest among the groups gnomAD compares: Non-Finnish European, 0.00017%; no homozygotes.

Submission:

Labcorp Genetics (formerly Invitae), Labcorp
Classification: Uncertain significance. Last evaluated: 2022-06-27. Review status: criteria provided, single submitter. Criteria: Invitae Variant Classification Sherloc (09022015). Collection method: clinical testing. Allele origin: germline.
Comment: This variant is not present in population databases (gnomAD no frequency). This variant has not been reported in the literature in individuals affected with ATP8A2-related conditions. Algorithms developed to predict the effect of missense changes on protein structure and function are either unavailable or do not agree on the potential impact of this missense change (SIFT: "Deleterious"; PolyPhen-2: "Possibly Damaging"; Align-GVGD: "Class C15"). In summary, the available evidence is currently insufficient to determine the role of this variant in disease. Therefore, it has been classified as a Variant of Uncertain Significance. This sequence change replaces aspartic acid, which is acidic and polar, with asparagine, which is neutral and polar, at codon 139 of the ATP8A2 protein (p.Asp139Asn).